The following is an entry in ClinVar:

NM_001130823.3(DNMT1):c.1046C>G (p.Thr349Arg)

Gene: DNMT1 (DNA methyltransferase 1; minus strand). Cytogenetic location: 19p13.2.
Variant type: single nucleotide variant.
Coding change: c.1046C>G on transcript NM_001130823.3 (MANE Select); coding-DNA position 1046, C replaced by G.
Protein change: p.Thr349Arg; replaces threonine 349 with arginine.
Molecular consequence: missense variant.
Genome position (GRCh38, 1-based): chr19:10,160,061, G>C on the plus strand (C>G on the coding strand, the complement: DNMT1 is on the minus strand). VCF-style: chr19-10160061-G-C. GRCh37 (hg19) VCF-style: chr19-10270737-G-C.
Other names: c.998C>G, p.Thr333Arg (NM_001318730.2, NM_001379.4); c.683C>G, p.Thr228Arg (NM_001318731.2); short protein forms T228R, T333R, T349R.
Identifiers: ClinVar variation 4685843 (VCV004685843.1).

ClinVar aggregate classification (germline): Uncertain significance (1 of 4 stars; one submission).

Submission:

ARUP Laboratories, Molecular Genetics and Genomics, ARUP Laboratories
Classification: Uncertain significance. Last evaluated: 2025-05-23. Review status: criteria provided, single submitter. Criteria: ARUP Molecular Germline Variant Investigation Process 2024. Collection method: clinical testing. Allele origin: germline.
Comment: The DNMT1 c.1046C>G; p.Thr349Arg variant (rs775954754), to our knowledge, is not reported in the medical literature or gene specific databases. This variant is also absent from the Genome Aggregation Database (v2.1.1), indicating it is not a common polymorphism. Computational analyses predict that this variant is neutral (REVEL: 0.049). However, given the lack of clinical and functional data, the significance of this variant is uncertain at this time.